The following is an entry in ClinVar:

NM_006206.6(PDGFRA):c.2932G>T (p.Ala978Ser)

Gene: PDGFRA (platelet derived growth factor receptor alpha; plus strand). Cytogenetic location: 4q12.
Variant type: single nucleotide variant.
Coding change: c.2932G>T on transcript NM_006206.6 (MANE Select); coding-DNA position 2932, G replaced by T.
Protein change: p.Ala978Ser; replaces alanine 978 with serine.
Molecular consequence: missense variant.
Genome position (GRCh38, 1-based): chr4:54,290,364, G>T. VCF-style: chr4-54290364-G-T. GRCh37 (hg19) VCF-style: chr4-55156531-G-T.
Other names: c.3007G>T, p.Ala1003Ser (NM_001347828.2); c.2932G>T, p.Ala978Ser (NM_001347829.2); c.2971G>T, p.Ala991Ser (NM_001347830.2); short protein forms A978S, A1003S, A991S.
Identifiers: ClinVar variation 528566 (VCV000528566.11), dbSNP rs770822231, ClinGen allele CA2922992.

ClinVar aggregate classification (germline): Uncertain significance. Review status: criteria provided, multiple submitters, no conflicts (2 of 4 stars). 2 submissions from 2 submitters: Uncertain significance (2). Last evaluated 2025-11-15.

Conditions:
Hereditary cancer-predisposing syndrome. Also called: Tumor predisposition; Hereditary neoplastic syndrome; Hereditary Cancer Syndrome; Neoplastic Syndromes, Hereditary. Identifiers: Orphanet 140162, MedGen C0027672, MeSH D009386, MONDO:0015356.
Gastrointestinal stromal tumor. Also called: Gastrointestinal stroma tumor; Gastrointestinal stromal tumor, somatic. Identifiers: Orphanet 44890, MedGen C0238198, MeSH D046152, MONDO:0011719, OMIM 606764, HP:0100723.

Allele frequency attached by ClinVar (database versions not stated): gnomAD exomes below 0.00001; TOPMed below 0.00001; ExAC 0.00001.
gnomAD v4.1: 3 of 1,611,746 alleles (0.00019%); highest among the groups gnomAD compares: Admixed American, 0.005%; no homozygotes.

Submissions (2):

Ambry Genetics
Classification: Uncertain significance for Hereditary cancer-predisposing syndrome. Last evaluated: 2025-11-15. Review status: criteria provided, single submitter. Criteria: Ambry Variant Classification Scheme 2023. Collection method: clinical testing. Allele origin: germline.
Comment: The p.A978S variant (also known as c.2932G>T), located in coding exon 21 of the PDGFRA gene, results from a G to T substitution at nucleotide position 2932. The alanine at codon 978 is replaced by serine, an amino acid with similar properties. This amino acid position is conserved. In addition, this alteration is predicted to be tolerated by in silico analysis. Since supporting evidence is limited at this time, the clinical significance of this alteration remains unclear.

Labcorp Genetics (formerly Invitae), Labcorp
Classification: Uncertain significance for Gastrointestinal stromal tumor. Last evaluated: 2025-04-01. Review status: criteria provided, single submitter. Criteria: Invitae Variant Classification Sherloc (09022015). Collection method: clinical testing. Allele origin: germline.
Comment: This sequence change replaces alanine, which is neutral and non-polar, with serine, which is neutral and polar, at codon 978 of the PDGFRA protein (p.Ala978Ser). This variant is present in population databases (rs770822231, gnomAD 0.003%). This variant has not been reported in the literature in individuals affected with PDGFRA-related conditions. ClinVar contains an entry for this variant (Variation ID: 528566). Invitae Evidence Modeling of protein sequence and biophysical properties (such as structural, functional, and spatial information, amino acid conservation, physicochemical variation, residue mobility, and thermodynamic stability) indicates that this missense variant is not expected to disrupt PDGFRA protein function with a negative predictive value of 80%. In summary, the available evidence is currently insufficient to determine the role of this variant in disease. Therefore, it has been classified as a Variant of Uncertain Significance.